The following is an entry in ClinVar:

NM_000038.6(APC):c.8040C>G (p.Pro2680=)

Gene: APC (APC regulator of Wnt signaling pathway; plus strand). Cytogenetic location: 5q22.2.
Variant type: single nucleotide variant.
Coding change: c.8040C>G on transcript NM_000038.6 (MANE Select); coding-DNA position 8040, C replaced by G.
Protein change: p.Pro2680=; no amino-acid change (proline 2680 retained).
Molecular consequence: synonymous variant. On other transcripts: non-coding transcript variant (2).
Genome position (GRCh38, 1-based): chr5:112,843,634, C>G. VCF-style: chr5-112843634-C-G. GRCh37 (hg19) VCF-style: chr5-112179331-C-G.
Other names: c.8040C>G, p.Pro2680= (NM_001127510.3, NM_001354895.2, NM_001407450.1); c.7986C>G, p.Pro2662= (NM_001127511.3); c.8094C>G, p.Pro2698= (NM_001354896.2, NM_001407447.1, NM_001407448.1 and 1 more transcripts); c.8070C>G, p.Pro2690= (NM_001354897.2); c.7965C>G, p.Pro2655= (NM_001354898.2); c.7956C>G, p.Pro2652= (NM_001354899.2); c.7917C>G, p.Pro2639= (NM_001354900.2); c.7863C>G, p.Pro2621= (NM_001354901.2, NM_001407453.1); and 11 more.
Identifiers: ClinVar variation 1761764 (VCV001761764.3), dbSNP rs1202345601, ClinGen allele CA446211035.

ClinVar aggregate classification (germline): Benign/Likely benign. Review status: criteria provided, multiple submitters, no conflicts (2 of 4 stars). 2 submissions from 2 submitters: Benign (1); Likely benign (1). Last evaluated 2024-04-12.

Conditions:
Hereditary cancer-predisposing syndrome. Also called: Neoplastic Syndromes, Hereditary; Tumor predisposition; Hereditary Cancer Syndrome; Hereditary neoplastic syndrome. Identifiers: Orphanet 140162, MedGen C0027672, MeSH D009386, MONDO:0015356.
Familial adenomatous polyposis 1 (FAP1). Also called: FAMILIAL ADENOMATOUS POLYPOSIS 1, ATTENUATED; POLYPOSIS, ADENOMATOUS INTESTINAL. Identifiers: MedGen C2713442, MONDO:0021056, OMIM 175100. Disease mechanism: loss of function.

Submissions (2):

Myriad Genetics, Inc.
Classification: Benign for Familial adenomatous polyposis 1. Last evaluated: 2024-04-12. Review status: criteria provided, single submitter. Criteria: Myriad Autosomal Dominant, Autosomal Recessive and X-Linked Classification Criteria (2023). Collection method: clinical testing. Allele origin: unknown.
Comment: This variant is considered benign. This variant is a silent/synonymous amino acid change and it is not expected to impact splicing.

Ambry Genetics
Classification: Likely benign for Hereditary cancer-predisposing syndrome. Last evaluated: 2022-09-20. Review status: criteria provided, single submitter. Criteria: Ambry Variant Classification Scheme 2023. Collection method: clinical testing. Allele origin: germline.